The following is an entry in ClinVar:

ClinVar aggregate classification (germline): Uncertain significance (1 of 4 stars; one submission).

Conditions:
Adams-Oliver syndrome 5 (AOS5). Identifiers: Orphanet 974, MedGen C4014970, MONDO:0014459, OMIM 616028.

Submission:

Labcorp Genetics (formerly Invitae), Labcorp
Classification: Uncertain significance for Adams-Oliver syndrome 5. Last evaluated: 2022-08-05. Review status: criteria provided, single submitter. Criteria: Invitae Variant Classification Sherloc (09022015). Collection method: clinical testing. Allele origin: germline.
Comment: In summary, the available evidence is currently insufficient to determine the role of this variant in disease. Therefore, it has been classified as a Variant of Uncertain Significance. Algorithms developed to predict the effect of sequence changes on RNA splicing suggest that this variant may create or strengthen a splice site. Algorithms developed to predict the effect of missense changes on protein structure and function (SIFT, PolyPhen-2, Align-GVGD) all suggest that this variant is likely to be disruptive. This variant has not been reported in the literature in individuals affected with NOTCH1-related conditions. This variant is not present in population databases (gnomAD no frequency). This sequence change replaces cysteine, which is neutral and slightly polar, with serine, which is neutral and polar, at codon 48 of the NOTCH1 protein (p.Cys48Ser).

NM_017617.5(NOTCH1):c.142T>A (p.Cys48Ser)

Gene: NOTCH1 (notch receptor 1; minus strand). Cytogenetic location: 9q34.3.
Variant type: single nucleotide variant.
Coding change: c.142T>A on transcript NM_017617.5 (MANE Select); coding-DNA position 142, T replaced by A.
Protein change: p.Cys48Ser; replaces cysteine 48 with serine.
Molecular consequence: missense variant.
Genome position (GRCh38, 1-based): chr9:136,523,978, A>T on the plus strand (T>A on the coding strand, the complement: NOTCH1 is on the minus strand). VCF-style: chr9-136523978-A-T. GRCh37 (hg19) VCF-style: chr9-139418430-A-T.
Other names: short protein forms C48S.
Identifiers: ClinVar variation 1715198 (VCV001715198.5), dbSNP rs2133379887, ClinGen allele CA375573232.